The following is an entry in ClinVar:

NM_006506.5(RASA2):c.92G>A (p.Ser31Asn)

Genes: RASA2 (RAS p21 protein activator 2; plus strand), LOC129937686 (ATAC-STARR-seq lymphoblastoid silent region 14777; plus strand). Cytogenetic location: 3q23.
Variant type: single nucleotide variant.
Coding change: c.92G>A on transcript NM_006506.5 (MANE Select); coding-DNA position 92, G replaced by A.
Protein change: p.Ser31Asn; replaces serine 31 with asparagine.
Molecular consequence: missense variant.
Genome position (GRCh38, 1-based): chr3:141,487,175, G>A. VCF-style: chr3-141487175-G-A. GRCh37 (hg19) VCF-style: chr3-141206017-G-A.
Other names: c.92G>A, p.Ser31Asn (NM_001303245.3, NM_001303246.3); c.92G>A (NM_006506.2); short protein forms S31N.
Identifiers: ClinVar variation 2115479 (VCV002115479.5), dbSNP rs2478325747, ClinGen allele CA354773937.
Genomic context (GRCh38, chr3:141,487,175, plus strand): 5'-CTTCTTCCGAGGCGCCAGCGGCGAGTGCGACTGCAGAGCCCGAGGCCGGGGACCAGGACA[G>A]TCGCGAGGTTCGAGTGTTGCAGAGCCTGCGGGGCAAGATCTGTAAGCGGGGGCTGGGCTG-3'
Protein context (NP_006497.2, residues 21-41): TAEPEAGDQD[Ser31Asn]REVRVLQSLR

ClinVar aggregate classification (germline): Uncertain significance. Review status: criteria provided, multiple submitters, no conflicts (2 of 4 stars). 2 submissions from 2 submitters: Uncertain significance (2). Last evaluated 2026-07-24.

Submissions (2):

Ambry Genetics
Classification: Uncertain significance. Last evaluated: 2026-07-24. Review status: criteria provided, single submitter. Criteria: Ambry Variant Classification Scheme 2023. Collection method: clinical testing. Allele origin: germline.
Comment: The p.S31N variant (also known as c.92G>A), located in coding exon 1 of the RASA2 gene, results from a G to A substitution at nucleotide position 92. The serine at codon 31 is replaced by asparagine, an amino acid with highly similar properties. This amino acid position is conserved. In addition, this alteration is predicted to be tolerated by in silico analysis. Based on the available evidence, the clinical significance of this variant remains unclear.

Labcorp Genetics (formerly Invitae), Labcorp
Classification: Uncertain significance. Last evaluated: 2022-03-21. Review status: criteria provided, single submitter. Criteria: Invitae Variant Classification Sherloc (09022015). Collection method: clinical testing. Allele origin: germline.
Comment: This variant is not present in population databases (gnomAD no frequency). In summary, the available evidence is currently insufficient to determine the role of this variant in disease. Therefore, it has been classified as a Variant of Uncertain Significance. Algorithms developed to predict the effect of missense changes on protein structure and function (SIFT, PolyPhen-2, Align-GVGD) all suggest that this variant is likely to be tolerated. This variant has not been reported in the literature in individuals affected with RASA2-related conditions. This sequence change replaces serine, which is neutral and polar, with asparagine, which is neutral and polar, at codon 31 of the RASA2 protein (p.Ser31Asn).